The following is an entry in ClinVar:

NM_003737.4(DCHS1):c.5A>G (p.Gln2Arg)

Gene: DCHS1 (dachsous cadherin-related 1; minus strand). Cytogenetic location: 11p15.4.
Variant type: single nucleotide variant.
Coding change: c.5A>G on transcript NM_003737.4 (MANE Select); coding-DNA position 5, A replaced by G.
Protein change: p.Gln2Arg; replaces glutamine 2 with arginine.
Molecular consequence: missense variant.
Genome position (GRCh38, 1-based): chr11:6,641,609, T>C on the plus strand (A>G on the coding strand, the complement: DCHS1 is on the minus strand). VCF-style: chr11-6641609-T-C. GRCh37 (hg19) VCF-style: chr11-6662840-T-C.
Other names: short protein forms Q2R.
Identifiers: ClinVar variation 3605470 (VCV003605470.2).

ClinVar aggregate classification (germline): Uncertain significance (1 of 4 stars; one submission).

gnomAD v4.1: 30 of 1,545,404 alleles (0.0019%); highest among the groups gnomAD compares: Non-Finnish European, 0.0022%; no homozygotes.

Submission:

Labcorp Genetics (formerly Invitae), Labcorp
Classification: Uncertain significance. Last evaluated: 2024-04-14. Review status: criteria provided, single submitter. Criteria: Invitae Variant Classification Sherloc (09022015). Collection method: clinical testing. Allele origin: germline.
Comment: This sequence change replaces glutamine, which is neutral and polar, with arginine, which is basic and polar, at codon 2 of the DCHS1 protein (p.Gln2Arg). The frequency data for this variant in the population databases is considered unreliable, as metrics indicate poor data quality at this position in the gnomAD database. This variant has not been reported in the literature in individuals affected with DCHS1-related conditions. Advanced modeling of protein sequence and biophysical properties (such as structural, functional, and spatial information, amino acid conservation, physicochemical variation, residue mobility, and thermodynamic stability) performed at Invitae indicates that this missense variant is not expected to disrupt DCHS1 protein function with a negative predictive value of 95%. In summary, the available evidence is currently insufficient to determine the role of this variant in disease. Therefore, it has been classified as a Variant of Uncertain Significance.